The following is an entry in ClinVar:

NM_003126.4(SPTA1):c.3193C>T (p.Arg1065Cys)

Gene: SPTA1 (spectrin alpha, erythrocytic 1; minus strand). Cytogenetic location: 1q23.1.
Variant type: single nucleotide variant.
Coding change: c.3193C>T on transcript NM_003126.4 (MANE Select); coding-DNA position 3193, C replaced by T.
Protein change: p.Arg1065Cys; replaces arginine 1065 with cysteine.
Molecular consequence: missense variant.
Genome position (GRCh38, 1-based): chr1:158,652,649, G>A on the plus strand (C>T on the coding strand, the complement: SPTA1 is on the minus strand). VCF-style: chr1-158652649-G-A. GRCh37 (hg19) VCF-style: chr1-158622439-G-A.
Other names: short protein forms R1065C.
Identifiers: ClinVar variation 2501385 (VCV002501385.2), dbSNP rs772426060, ClinGen allele CA1183129.
Genomic context (GRCh38, chr1:158,652,649, plus strand): 5'-ATTCATTATAACGTTGCAATAGACGACGTCTGCGTTCTTCTGCCCGATCCAAGAGGGAGC[G>A]GTATCTGGATGGAGAATTGGGAAAAGTGGAATAAAAGAAGGAGAAAATACAGAAGAGTAG-3'
Protein context (NP_003117.2, residues 1055-1075): QRQEQIENQY[Arg1065Cys]SLLDRAEERR

ClinVar aggregate classification (germline): Uncertain significance. Review status: criteria provided, multiple submitters, no conflicts (2 of 4 stars). 2 submissions from 2 submitters: Uncertain significance (2). Last evaluated 2024-12-01.

Conditions:
SPTA1-related disorder. Also called: SPTA1-related disorders; SPTA1-related condition.

Allele frequency attached by ClinVar (database versions not stated): gnomAD 0.00001; gnomAD exomes 0.00001; TOPMed 0.00001; ExAC 0.00002.
gnomAD v4.1: 18 of 1,613,888 alleles (0.0011%); highest among the groups gnomAD compares: East Asian, 0.0067%; no homozygotes.

Submissions (2):

PreventionGenetics, part of Exact Sciences
Classification: Uncertain significance for SPTA1-related condition. Last evaluated: 2024-12-01. Review status: criteria provided, single submitter. Criteria: ACMG Guidelines, 2015. Collection method: clinical testing. Allele origin: germline.
Comment: The SPTA1 c.3193C>T variant is predicted to result in the amino acid substitution p.Arg1065Cys. To our knowledge, this variant has not been reported in the literature. This variant is reported in 0.0087% of alleles in individuals of Latino descent in gnomAD and is interpreted as uncertain in ClinVar. At this time, the clinical significance of this variant is uncertain due to the absence of conclusive functional and genetic evidence.

GeneDx
Classification: Uncertain significance. Last evaluated: 2022-11-02. Review status: criteria provided, single submitter. Criteria: GeneDx Variant Classification Process June 2021. Collection method: clinical testing. Allele origin: germline. Affected: yes.
Comment: In silico analysis supports that this missense variant does not alter protein structure/function; Has not been previously published as pathogenic or benign to our knowledge